The following is an entry in ClinVar:

NM_024721.5(ZFHX4):c.5362G>A (p.Val1788Ile)

Gene: ZFHX4 (zinc finger homeobox 4; plus strand). Cytogenetic location: 8q21.13.
Variant type: single nucleotide variant.
Coding change: c.5362G>A on transcript NM_024721.5 (MANE Select); coding-DNA position 5362, G replaced by A.
Protein change: p.Val1788Ile; replaces valine 1788 with isoleucine.
Molecular consequence: missense variant.
Genome position (GRCh38, 1-based): chr8:76,852,283, G>A. VCF-style: chr8-76852283-G-A. GRCh37 (hg19) VCF-style: chr8-77764519-G-A.
Other names: short protein forms V1788I.
Identifiers: ClinVar variation 440971 (VCV000440971.8), dbSNP rs200415399, ClinGen allele CA4787669.

ClinVar aggregate classification (germline): Conflicting classifications of pathogenicity. Review status: criteria provided, conflicting classifications (1 of 4 stars). 2 submissions from 2 submitters: Uncertain significance (1); Likely benign (1). Last evaluated 2026-07-01.

Allele frequency attached by ClinVar (database versions not stated): ExAC 0.00037; ESP Exome Variant Server 0.00039; gnomAD 0.00015; gnomAD exomes 0.00023 and 0.00027; TOPMed 0.00026.
gnomAD v4.1: 360 of 1,572,862 alleles (0.023%); highest among the groups gnomAD compares: Middle Eastern, 0.17%; 2 homozygotes.

Submissions (2):

CeGaT Center for Human Genetics Tuebingen
Classification: Likely benign. Last evaluated: 2026-07-01. Review status: criteria provided, single submitter. Criteria: CeGaT Center For Human Genetics Tuebingen Variant Classification Criteria Version 2. Collection method: clinical testing. Allele origin: germline. Affected: yes. Observed: 2 variant alleles.
Comment: ZFHX4: BP4

Ambry Genetics
Classification: Uncertain significance. Last evaluated: 2022-12-01. Review status: criteria provided, single submitter. Criteria: Ambry Variant Classification Scheme 2023. Collection method: clinical testing. Allele origin: germline.